The following is an entry in ClinVar:

ClinVar aggregate classification (germline): Uncertain significance (1 of 4 stars; one submission).

gnomAD v4.1: 1 of 1,614,056 alleles (0.000062%); highest among the groups gnomAD compares: Non-Finnish European, 0.000085%; no homozygotes.

Submission:

Labcorp Genetics (formerly Invitae), Labcorp
Classification: Uncertain significance. Last evaluated: 2026-01-22. Review status: criteria provided, single submitter. Criteria: Invitae Variant Classification Sherloc (09022015). Collection method: clinical testing. Allele origin: germline.
Comment: This sequence change replaces serine, which is neutral and polar, with asparagine, which is neutral and polar, at codon 214 of the RPS6KC1 protein (p.Ser214Asn). This variant is present in population databases (rs745870658, gnomAD 0.0009%). This variant has not been reported in the literature in individuals affected with RPS6KC1-related conditions. An algorithm developed to predict the effect of missense changes on protein structure and function outputs the following: PolyPhen-2: "Benign". The asparagine amino acid residue is found in multiple mammalian species, which suggests that this missense change does not adversely affect protein function. In summary, the available evidence is currently insufficient to determine the role of this variant in disease. Therefore, it has been classified as a Variant of Uncertain Significance.

NM_012424.6(RPS6KC1):c.641G>A (p.Ser214Asn)

Gene: RPS6KC1 (ribosomal protein S6 kinase C1; plus strand). Cytogenetic location: 1q32.3.
Variant type: single nucleotide variant.
Coding change: c.641G>A on transcript NM_012424.6 (MANE Select); coding-DNA position 641, G replaced by A.
Protein change: p.Ser214Asn; replaces serine 214 with asparagine.
Molecular consequence: missense variant. On other transcripts: 5 prime UTR variant (13), non-coding transcript variant (3), intron variant (5).
Genome position (GRCh38, 1-based): chr1:213,129,695, G>A. VCF-style: chr1-213129695-G-A. GRCh37 (hg19) VCF-style: chr1-213303038-G-A.
Other names: c.605G>A, p.Ser202Asn (NM_001136138.4); c.98G>A, p.Ser33Asn (NM_001287218.3, NM_001349654.2, NM_001287219.3 and 7 more transcripts); c.-647G>A (NM_001349659.2); c.-567G>A (NM_001349660.2, NM_001349661.2, NM_001349662.2); c.-481G>A (NM_001349664.2, NM_001349670.2); c.-574G>A (NM_001349666.2, NM_001349667.2, NM_001349668.2 and 4 more transcripts); c.641G>A, p.Ser214Asn (NM_001349646.2); c.-57+12285G>A (NM_001349658.2); and 4 more; short protein forms S214N, S33N, S202N.
Identifiers: ClinVar variation 4771246 (VCV004771246.1).
Genomic context (GRCh38, chr1:213,129,695, plus strand): 5'-GTCTCAATCTTTCTTCGGATTCTTCAGCACTAGGGGCTGTTGCTTCTGACAGTGAACAGA[G>A]CAAAACAGAAGAAGAACGGGAAAGTCGTAGCCTCTTTCCTGGCAGTTTAAAGCCGAAGCT-3'
Protein context (NP_036556.2, residues 204-224): LGAVASDSEQ[Ser214Asn]KTEEERESRS